The following is an entry in ClinVar:

NM_173660.5(DOK7):c.54+29G>T

Gene: DOK7 (docking protein 7; plus strand). Cytogenetic location: 4p16.3.
Variant type: single nucleotide variant.
Coding change: c.54+29G>T on transcript NM_173660.5 (MANE Select); 29 bases into the intron after coding-DNA position 54, G replaced by T.
Molecular consequence: intron variant.
Genome position (GRCh38, 1-based): chr4:3,463,458, G>T. VCF-style: chr4-3463458-G-T. GRCh37 (hg19) VCF-style: chr4-3465185-G-T.
Other names: p.?; c.54+29G>T (NM_001301071.2, NM_001363811.2, NM_001164673.2).
Identifiers: ClinVar variation 262881 (VCV000262881.12), dbSNP rs767030857, ClinGen allele CA2828847.
Genomic context (GRCh38, chr4:3,463,458, plus strand): 5'-AGGGCCAGGTCAAGCTGCGGGACGGCAAGAAGGTCGGGGCGCGTCGGGGGCGCGGGGGGG[G>T]GGGGCGCGGGCGCGGGCGGCGGCTCACGCTCCCCCCTGTCCCCGCAGTGGAAGAGTAGGT-3'

ClinVar aggregate classification (germline): Benign/Likely benign. Review status: criteria provided, multiple submitters, no conflicts (2 of 4 stars). 4 submissions from 4 submitters: Benign (2); Likely benign (2). Last evaluated 2026-02-02.

Conditions:
Fetal akinesia deformation sequence 1 (FADS1). Also called: Pena-Shokeir syndrome type I; Fetal akinesia sequence. Identifiers: Orphanet 994, MedGen C1276035, MONDO:0100101, OMIM 208150, HP:0001989.
Congenital myasthenic syndrome 10. Also called: Myasthenia, limb-girdle, familial. Identifiers: Orphanet 590, MedGen C1850792, MONDO:0009690, OMIM 254300.

Allele frequency attached by ClinVar (database versions not stated): 1000 Genomes Project 30x 0.00437.
gnomAD v4.1: 25,387 of 1,424,544 alleles (1.8%); highest among the groups gnomAD compares: Non-Finnish European, 2.1%; 226 homozygotes.

Submissions (4):

Labcorp Genetics (formerly Invitae), Labcorp
Classification: Likely benign for Congenital myasthenic syndrome 10; Fetal akinesia deformation sequence 1. Last evaluated: 2026-02-02. Review status: criteria provided, single submitter. Criteria: Invitae Variant Classification Sherloc (09022015). Collection method: clinical testing. Allele origin: germline.

Mayo Clinic Laboratories, Mayo Clinic
Classification: Benign. Last evaluated: 2023-03-07. Review status: criteria provided, single submitter. Criteria: ACMG Guidelines, 2015. Collection method: clinical testing. Allele origin: germline. Observed: 14 variant alleles.
Comment: BS1, BS2, BP4, BP7

GeneDx
Classification: Likely benign. Last evaluated: 2019-08-27. Review status: criteria provided, single submitter. Criteria: GeneDx Variant Classification Process June 2021. Collection method: clinical testing. Allele origin: germline. Affected: yes.

PreventionGenetics, part of Exact Sciences
Classification: Benign. Review status: criteria provided, single submitter. Criteria: ACMG Guidelines, 2015. Collection method: clinical testing. Allele origin: germline.